The following is an entry in ClinVar:

NM_018136.5(ASPM):c.5833A>G (p.Ile1945Val)

Gene: ASPM (assembly factor for spindle microtubules; minus strand). Cytogenetic location: 1q31.3.
Variant type: single nucleotide variant.
Coding change: c.5833A>G on transcript NM_018136.5 (MANE Select); coding-DNA position 5833, A replaced by G.
Protein change: p.Ile1945Val; replaces isoleucine 1945 with valine.
Molecular consequence: missense variant. On other transcripts: intron variant (1).
Genome position (GRCh38, 1-based): chr1:197,103,418, T>C on the plus strand (A>G on the coding strand, the complement: ASPM is on the minus strand). VCF-style: chr1-197103418-T-C. GRCh37 (hg19) VCF-style: chr1-197072548-T-C.
Other names: c.4066-7254A>G (NM_001206846.2); short protein forms I1945V.
Identifiers: ClinVar variation 194874 (VCV000194874.17), dbSNP rs147466865, ClinGen allele CA241076.
Genomic context (GRCh38, chr1:197,103,418, plus strand): 5'-TTCTCAGTGTTTTTCCCTTCCACATAGATTGAAGCACCAGTACCGCATGACGGAGTTCAA[T>C]ATACTCCATACATTGCTTCCTTCCTGCAGTCCATGCTCTGAAATTTTGCTGGATGACTAA-3'
Protein context (NP_060606.3, residues 1935-1955): TAGRKQCMEY[Ile1945Val]ELRHAVLVLQ

ClinVar aggregate classification (germline): Conflicting classifications of pathogenicity. Review status: criteria provided, conflicting classifications (1 of 4 stars). 6 submissions from 6 submitters: Uncertain significance (5); Likely benign (1). Last evaluated 2024-10-07.

Conditions:
Inborn genetic diseases. Identifiers: MedGen C0950123, MeSH D030342.
Microcephaly 5, primary, autosomal recessive (MCPH5). Also called: ASPM Primary Microcephaly. Identifiers: Orphanet 2512, MedGen C1837501, MONDO:0012106, OMIM 608716.

Allele frequency attached by ClinVar (database versions not stated): 1000 Genomes Project 30x 0.00016; TOPMed 0.00017; 1000 Genomes Project 0.00020; gnomAD 0.00021 and 0.00023; ExAC 0.00022; ESP Exome Variant Server 0.00023; gnomAD exomes 0.00025 and 0.00027.
gnomAD v4.1: 428 of 1,613,256 alleles (0.027%); highest among the groups gnomAD compares: Middle Eastern, 0.033%; no homozygotes.

Submissions (7):

Blueprint Genetics
Classification: Likely benign. Last evaluated: 2024-10-07. Review status: criteria provided, single submitter. Criteria: ACMG Guidelines, 2015. Collection method: clinical testing. Allele origin: germline.

Labcorp Genetics (formerly Invitae), Labcorp
Classification: Uncertain significance. Last evaluated: 2023-11-27. Review status: criteria provided, single submitter. Criteria: Invitae Variant Classification Sherloc (09022015). Collection method: clinical testing. Allele origin: germline.
Comment: This sequence change replaces isoleucine, which is neutral and non-polar, with valine, which is neutral and non-polar, at codon 1945 of the ASPM protein (p.Ile1945Val). This variant is present in population databases (rs147466865, gnomAD 0.1%). This variant has not been reported in the literature in individuals affected with ASPM-related conditions. ClinVar contains an entry for this variant (Variation ID: 194874). Advanced modeling of protein sequence and biophysical properties (such as structural, functional, and spatial information, amino acid conservation, physicochemical variation, residue mobility, and thermodynamic stability) performed at Invitae indicates that this missense variant is not expected to disrupt ASPM protein function with a negative predictive value of 80%. In summary, the available evidence is currently insufficient to determine the role of this variant in disease. Therefore, it has been classified as a Variant of Uncertain Significance.

Ambry Genetics
Classification: Uncertain significance for Inborn genetic diseases. Last evaluated: 2023-05-31. Review status: criteria provided, single submitter. Criteria: Ambry Variant Classification Scheme 2023. Collection method: clinical testing. Allele origin: germline.

Genome-Nilou Lab
Classification: Uncertain significance for Microcephaly 5, primary, autosomal recessive. Last evaluated: 2023-04-11. Review status: criteria provided, single submitter. Criteria: ACMG Guidelines, 2015. Collection method: clinical testing. Allele origin: germline. Affected: no.

Illumina Laboratory Services, Illumina
Classification: Uncertain significance for Microcephaly 5, primary, autosomal recessive. Last evaluated: 2018-01-13. Review status: criteria provided, single submitter. Criteria: ICSL Variant Classification Criteria 13 December 2019. Collection method: clinical testing. Allele origin: germline.

Eurofins Ntd Llc (ga)
Classification: Uncertain significance. Last evaluated: 2015-01-04. Review status: criteria provided, single submitter. Criteria: EGL Classification Definitions 2015. Collection method: clinical testing. Allele origin: germline. Observed: 1 variant allele, 1 heterozygote.

Dr. Peter K. Rogan Lab, Western University
No classification provided (evidence only). Condition: Colon adenocarcinoma. Review status: no classification provided. Collection method: in vitro. Allele origin: not applicable. Functional consequence: retained intron. Not counted in ClinVar's aggregate classification.